The following is an entry in ClinVar:

ClinVar aggregate classification (germline): Uncertain significance (1 of 4 stars; one submission).

Conditions:
COG5-congenital disorder of glycosylation. Also called: COG5-CDG; CDG IIi; CONGENITAL DISORDER OF GLYCOSYLATION, TYPE IIi. Identifiers: Orphanet 263487, MedGen C3150876, MONDO:0013325, OMIM 613612.

Allele frequency attached by ClinVar (database versions not stated): ExAC 0.00002; gnomAD 0.00004 and 0.00005; TOPMed 0.00004; ESP Exome Variant Server 0.00008; 1000 Genomes Project 30x 0.00016; 1000 Genomes Project 0.00020.
gnomAD v4.1: 38 of 1,614,044 alleles (0.0024%); highest among the groups gnomAD compares: Admixed American, 0.0083%; no homozygotes.

Submission:

Labcorp Genetics (formerly Invitae), Labcorp
Classification: Uncertain significance for COG5-congenital disorder of glycosylation. Last evaluated: 2022-02-24. Review status: criteria provided, single submitter. Criteria: Invitae Variant Classification Sherloc (09022015). Collection method: clinical testing. Allele origin: germline.
Comment: This sequence change replaces alanine, which is neutral and non-polar, with threonine, which is neutral and polar, at codon 789 of the COG5 protein (p.Ala789Thr). This variant is present in population databases (rs370066143, gnomAD 0.01%). This variant has not been reported in the literature in individuals affected with COG5-related conditions. Algorithms developed to predict the effect of missense changes on protein structure and function output the following: SIFT: "Tolerated"; PolyPhen-2: "Benign"; Align-GVGD: "Class C0". The threonine amino acid residue is found in multiple mammalian species, which suggests that this missense change does not adversely affect protein function. In summary, the available evidence is currently insufficient to determine the role of this variant in disease. Therefore, it has been classified as a Variant of Uncertain Significance.

NM_006348.5(COG5):c.2272G>A (p.Ala758Thr)

Gene: COG5 (component of oligomeric golgi complex 5; minus strand). Cytogenetic location: 7q22.3.
Variant type: single nucleotide variant.
Coding change: c.2272G>A on transcript NM_006348.5 (MANE Select); coding-DNA position 2272, G replaced by A.
Protein change: p.Ala758Thr; replaces alanine 758 with threonine.
Molecular consequence: missense variant. On other transcripts: intron variant (1).
Genome position (GRCh38, 1-based): chr7:107,211,122, C>T on the plus strand (G>A on the coding strand, the complement: COG5 is on the minus strand). VCF-style: chr7-107211122-C-T. GRCh37 (hg19) VCF-style: chr7-106851567-C-T.
Other names: c.2272G>A, p.Ala758Thr (NM_001161520.2); c.2110G>A, p.Ala704Thr (NM_001379511.1); c.2098G>A, p.Ala700Thr (NM_001379512.1); c.1957G>A, p.Ala653Thr (NM_001379514.1); c.1702G>A, p.Ala568Thr (NM_001379515.1); c.1558G>A, p.Ala520Thr (NM_001379516.1); c.2209G>A, p.Ala737Thr (NM_181733.4); c.2169-7492G>A (NM_001379513.1); short protein forms A653T, A758T, A520T, A568T, A700T, A737T, A704T.
Identifiers: ClinVar variation 1398766 (VCV001398766.5), dbSNP rs370066143, ClinGen allele CA4430638.
Genomic context (GRCh38, chr7:107,211,122, plus strand): 5'-AGTCACAAAAGGGTTCTGGCTTGACTTTATTTATTACCTGGAAAGGAGATTTCAGTTCAG[C>T]GGGTGCTCTCGTGAACAAAAACTGAATAATGATGCTGAACGGAATCACATCCCCCAATGC-3'
Protein context (NP_006339.4, residues 748-768): IIQFLFTRAP[Ala758Thr]ELKSPFQRAE